The following is an entry in ClinVar:

NM_173569.4(UBN2):c.3198A>G (p.Ser1066=)

Gene: UBN2 (ubinuclein 2; plus strand). Cytogenetic location: 7q34.
Variant type: single nucleotide variant.
Coding change: c.3198A>G on transcript NM_173569.4 (MANE Select); coding-DNA position 3198, A replaced by G.
Protein change: p.Ser1066=; no amino-acid change (serine 1066 retained).
Molecular consequence: synonymous variant.
Genome position (GRCh38, 1-based): chr7:139,284,103, A>G. VCF-style: chr7-139284103-A-G. GRCh37 (hg19) VCF-style: chr7-138968849-A-G.
Identifiers: ClinVar variation 4984807 (VCV004984807.1).
Genomic context (GRCh38, chr7:139,284,103, plus strand): 5'-CACATCTCCTAAACCCCTGCCCTCGCCTAAGCCTTCTGCCTCACCCAAGCCCTCTCTGTC[A>G]GCTAAGCCTTCAGTATCAACTAAACTTATTTCTAAATCCAACCCAACTCCCAAGCCTACT-3'
Protein context (NP_775840.3, residues 1056-1076): KPSASPKPSL[Ser1066=]AKPSVSTKLI

ClinVar aggregate classification (germline): Likely benign (1 of 4 stars; one submission).

Conditions:
UBN2-related disorder. Also called: UBN2-related condition.

Submission:

PreventionGenetics, part of Exact Sciences
Classification: Likely benign for UBN2-related condition. Last evaluated: 2025-10-01. Review status: criteria provided, single submitter. Criteria: ACMG Guidelines, 2015. Collection method: clinical testing. Allele origin: germline.
Comment: This variant is classified as likely benign based on ACMG/AMP sequence variant interpretation guidelines (Richards et al. 2015 PMID: 25741868, with internal and published modifications).